The following is an entry in ClinVar:

ClinVar aggregate classification (germline): Uncertain significance (1 of 4 stars; one submission).

Allele frequency attached by ClinVar (database versions not stated): gnomAD exomes 0.00002; ESP Exome Variant Server 0.00008; ExAC 0.00009; TOPMed 0.00019; gnomAD 0.00021; 1000 Genomes Project 0.00040; 1000 Genomes Project 30x 0.00062.
gnomAD v4.1: 61 of 1,613,996 alleles (0.0038%); highest among the groups gnomAD compares: African/African-American, 0.079%; no homozygotes.

Submission:

Labcorp Genetics (formerly Invitae), Labcorp
Classification: Uncertain significance. Last evaluated: 2022-03-14. Review status: criteria provided, single submitter. Criteria: Invitae Variant Classification Sherloc (09022015). Collection method: clinical testing. Allele origin: germline.
Comment: In summary, the available evidence is currently insufficient to determine the role of this variant in disease. Therefore, it has been classified as a Variant of Uncertain Significance. Algorithms developed to predict the effect of missense changes on protein structure and function are either unavailable or do not agree on the potential impact of this missense change (SIFT: "Not Available"; PolyPhen-2: "Possibly Damaging"; Align-GVGD: "Not Available"). This variant has not been reported in the literature in individuals affected with NDUFA6-related conditions. This variant is present in population databases (rs115916491, gnomAD 0.08%). This sequence change replaces arginine, which is basic and polar, with glycine, which is neutral and non-polar, at codon 103 of the NDUFA6 protein (p.Arg103Gly).

NM_002490.6(NDUFA6):c.229A>G (p.Arg77Gly)

Gene: NDUFA6 (NADH:ubiquinone oxidoreductase subunit A6; minus strand). Cytogenetic location: 22q13.2.
Variant type: single nucleotide variant.
Coding change: c.229A>G on transcript NM_002490.6 (MANE Select); coding-DNA position 229, A replaced by G.
Protein change: p.Arg77Gly; replaces arginine 77 with glycine.
Molecular consequence: missense variant.
Genome position (GRCh38, 1-based): chr22:42,087,086, T>C on the plus strand (A>G on the coding strand, the complement: NDUFA6 is on the minus strand). VCF-style: chr22-42087086-T-C. GRCh37 (hg19) VCF-style: chr22-42483090-T-C.
Other names: short protein forms R77G.
Identifiers: ClinVar variation 1909484 (VCV001909484.3), dbSNP rs115916491, ClinGen allele CA10264368.
Genomic context (GRCh38, chr22:42,087,086, plus strand): 5'-TGATCTTTTAAATTGGTCAGGGAGGGTCAGTTACCTTAATGACCAGAAGATCAACCACCC[T>C]GGGGTCTGTGACATGGGCATTCTTCATAAACATTTCTCGGACTTTATCCCGTCCCATTTT-3'
Protein context (NP_002481.3, residues 67-87): FMKNAHVTDP[Arg77Gly]VVDLLVIKGK